The following is an entry in ClinVar:

NM_001037283.2(EIF3B):c.1136T>C (p.Ile379Thr)

Gene: EIF3B (eukaryotic translation initiation factor 3 subunit B; plus strand). Cytogenetic location: 7p22.3.
Variant type: single nucleotide variant.
Coding change: c.1136T>C on transcript NM_001037283.2 (MANE Select); coding-DNA position 1136, T replaced by C.
Protein change: p.Ile379Thr; replaces isoleucine 379 with threonine.
Molecular consequence: missense variant.
Genome position (GRCh38, 1-based): chr7:2,364,508, T>C. VCF-style: chr7-2364508-T-C. GRCh37 (hg19) VCF-style: chr7-2404143-T-C.
Other names: c.1136T>C, p.Ile379Thr (NM_001362791.2, NM_003751.4); c.320T>C, p.Ile107Thr (NM_001362792.2, NM_001362793.2); short protein forms I107T, I379T.
Identifiers: ClinVar variation 4870341 (VCV004870341.1).

ClinVar aggregate classification (germline): Uncertain significance (1 of 4 stars; one submission).

Submission:

Ambry Genetics
Classification: Uncertain significance. Last evaluated: 2026-04-27. Review status: criteria provided, single submitter. Criteria: Ambry Variant Classification Scheme 2023. Collection method: clinical testing. Allele origin: germline.
Comment: The c.1136T>C (p.I379T) alteration is located in exon 6 (coding exon 6) of the EIF3B gene. This alteration results from a T to C substitution at nucleotide position 1136, causing the isoleucine (I) at amino acid position 379 to be replaced by a threonine (T). Based on data from gnomAD, the C allele has an overall frequency of 0.003% (1/31402) total alleles studied. The highest observed frequency was 0.007% (1/15426) of European (non-Finnish) alleles. Based on insufficient or conflicting evidence, the clinical significance of this alteration remains unclear.